The following is an entry in ClinVar:

NM_058216.3(RAD51C):c.753C>T (p.Asp251=)

Gene: RAD51C (RAD51 paralog C; plus strand). Cytogenetic location: 17q22.
Variant type: single nucleotide variant.
Coding change: c.753C>T on transcript NM_058216.3 (MANE Select); coding-DNA position 753, C replaced by T.
Protein change: p.Asp251=; no amino-acid change (aspartic acid 251 retained).
Molecular consequence: synonymous variant. On other transcripts: non-coding transcript variant (1).
Genome position (GRCh38, 1-based): chr17:58,709,906, C>T. VCF-style: chr17-58709906-C-T. GRCh37 (hg19) VCF-style: chr17-56787267-C-T.
Identifiers: ClinVar variation 513392 (VCV000513392.13), dbSNP rs1415231244, ClinGen allele CA501075566.

ClinVar aggregate classification (germline): Benign/Likely benign. Review status: criteria provided, multiple submitters, no conflicts (2 of 4 stars). 4 submissions from 4 submitters: Benign (1); Likely benign (3). Last evaluated 2025-02-19.

Conditions:
Hereditary cancer-predisposing syndrome. Also called: Hereditary Cancer Syndrome; Tumor predisposition; Neoplastic Syndromes, Hereditary; Hereditary neoplastic syndrome. Identifiers: Orphanet 140162, MedGen C0027672, MeSH D009386, MONDO:0015356.
Breast-ovarian cancer, familial, susceptibility to, 3. Also called: RAD51C-Related Breast/Ovarian Cancer. Identifiers: Orphanet 145, MedGen C3150659, MONDO:0013253, OMIM 613399.
Fanconi anemia complementation group O. Also called: RAD51C-Related Fanconi Anemia. Identifiers: Orphanet 84, MedGen C3150653, MONDO:0013248, OMIM 613390.

Allele frequency attached by ClinVar (database versions not stated): gnomAD exomes below 0.00001; TOPMed below 0.00001.
gnomAD v4.1: 1 of 1,610,812 alleles (0.000062%); highest among the groups gnomAD compares: Non-Finnish European, 0.000085%; no homozygotes.

Submissions (4):

Myriad Genetics, Inc.
Classification: Benign for Breast-ovarian cancer, familial, susceptibility to, 3. Last evaluated: 2025-02-19. Review status: criteria provided, single submitter. Criteria: Myriad Autosomal Dominant, Autosomal Recessive and X-Linked Classification Criteria (2023). Collection method: clinical testing. Allele origin: unknown.
Comment: This variant is considered benign. This variant is a silent/synonymous amino acid change and it is not expected to impact splicing.

Ambry Genetics
Classification: Likely benign for Hereditary cancer-predisposing syndrome. Last evaluated: 2021-08-11. Review status: criteria provided, single submitter. Criteria: Ambry Variant Classification Scheme 2023. Collection method: clinical testing. Allele origin: germline.

Labcorp Genetics (formerly Invitae), Labcorp
Classification: Likely benign for Fanconi anemia complementation group O. Last evaluated: 2020-04-23. Review status: criteria provided, single submitter. Criteria: Invitae Variant Classification Sherloc (09022015). Collection method: clinical testing. Allele origin: germline.

GeneDx
Classification: Likely benign. Last evaluated: 2017-11-10. Review status: criteria provided, single submitter. Criteria: GeneDx Variant Classification (06012015). Collection method: clinical testing. Allele origin: germline. Affected: yes.
Comment: This variant is considered likely benign or benign based on one or more of the following criteria: it is a conservative change, it occurs at a poorly conserved position in the protein, it is predicted to be benign by multiple in silico algorithms, and/or has population frequency not consistent with disease.